The following is an entry in ClinVar:

NM_172250.3(MMAA):c.630A>G (p.Pro210=)

Gene: MMAA (metabolism of cobalamin associated A; plus strand). Cytogenetic location: 4q31.21.
Variant type: single nucleotide variant.
Coding change: c.630A>G on transcript NM_172250.3 (MANE Select); coding-DNA position 630, A replaced by G.
Protein change: p.Pro210=; no amino-acid change (proline 210 retained).
Molecular consequence: synonymous variant.
Genome position (GRCh38, 1-based): chr4:145,646,053, A>G. VCF-style: chr4-145646053-A-G. GRCh37 (hg19) VCF-style: chr4-146567205-A-G.
Identifiers: ClinVar variation 347601 (VCV000347601.62), dbSNP rs374347679, ClinGen allele CA3095223.

ClinVar aggregate classification (germline): Conflicting classifications of pathogenicity. Review status: criteria provided, conflicting classifications (1 of 4 stars). 7 submissions from 7 submitters: Uncertain significance (1); Benign (1); Likely benign (4). 1 of the submissions does not count toward it. Last evaluated 2026-01-13.

Conditions:
Methylmalonic aciduria, cblA type (MACA). Also called: Methylmalonic aciduria, vitamin B12-responsive; Methylmalonic aciduria, vitamin b12-responsive, due to defect in synthesis of adenosylcobalamin, cbla complementation type; MMA cbl A type; Methylmalonic acidemia cblA type; Vitamin B12-responsive methylmalonic acidemia type cblA. Identifiers: Orphanet 28, Orphanet 79310, MedGen C1855109, MONDO:0009613, OMIM 251100.
Methylmalonic acidemia (MMA). Also called: Isolated Methylmalonic Acidemia. Identifiers: MedGen C0268583, MeSH C537358, MONDO:0002012, HP:0002912.

Allele frequency attached by ClinVar (database versions not stated): gnomAD 0.00017; gnomAD exomes 0.00019 and 0.00037; TOPMed 0.00020; ESP Exome Variant Server 0.00023; ExAC 0.00035.

Submissions (7):

Labcorp Genetics (formerly Invitae), Labcorp
Classification: Benign for Methylmalonic aciduria, cblA type. Last evaluated: 2026-01-13. Review status: criteria provided, single submitter. Criteria: Invitae Variant Classification Sherloc (09022015). Collection method: clinical testing. Allele origin: germline.

Blueprint Genetics
Classification: Likely benign. Last evaluated: 2024-09-18. Review status: criteria provided, single submitter. Criteria: ACMG Guidelines, 2015. Collection method: clinical testing. Allele origin: germline.

CeGaT Center for Human Genetics Tuebingen
Classification: Likely benign. Last evaluated: 2022-05-01. Review status: criteria provided, single submitter. Criteria: CeGaT Center For Human Genetics Tuebingen Variant Classification Criteria Version 2. Collection method: clinical testing. Allele origin: germline. Affected: yes. Observed: 2 variant alleles.
Comment: MMAA: BP4, BP7

Genome-Nilou Lab
Classification: Likely benign for Methylmalonic aciduria, cblA type. Last evaluated: 2021-05-18. Review status: criteria provided, single submitter. Criteria: ACMG Guidelines, 2015. Collection method: clinical testing. Allele origin: germline. Affected: no.

Illumina Laboratory Services, Illumina
Classification: Uncertain significance for Methylmalonic aciduria, cblA type. Last evaluated: 2018-01-13. Review status: criteria provided, single submitter. Criteria: ICSL Variant Classification Criteria 13 December 2019. Collection method: clinical testing. Allele origin: germline.

GeneDx
Classification: Likely benign. Last evaluated: 2016-10-14. Review status: criteria provided, single submitter. Criteria: GeneDx Variant Classification (06012015). Collection method: clinical testing. Allele origin: germline. Affected: yes.
Comment: This variant is considered likely benign or benign based on one or more of the following criteria: it is a conservative change, it occurs at a poorly conserved position in the protein, it is predicted to be benign by multiple in silico algorithms, and/or has population frequency not consistent with disease.

Natera, Inc.
Classification: Likely benign for Methylmalonic acidemia. Last evaluated: 2020-04-16. Review status: no assertion criteria provided. Collection method: clinical testing. Allele origin: germline. Not counted in ClinVar's aggregate classification.